The following is an entry in ClinVar:

ClinVar aggregate classification (germline): Uncertain significance (1 of 4 stars; one submission).

Submission:

GeneDx
Classification: Uncertain significance. Last evaluated: 2025-07-28. Review status: criteria provided, single submitter. Criteria: GeneDx Variant Classification Process June 2021. Collection method: clinical testing. Allele origin: germline. Affected: yes.
Comment: Not observed at significant frequency in large population cohorts (gnomAD); In silico analysis suggests that this missense variant does not alter protein structure/function; Has not been previously published as pathogenic or benign to our knowledge

NM_144658.4(DOCK11):c.394A>G (p.Lys132Glu)

Gene: DOCK11 (dedicator of cytokinesis 11; plus strand). Cytogenetic location: Xq24.
Variant type: single nucleotide variant.
Coding change: c.394A>G on transcript NM_144658.4 (MANE Select); coding-DNA position 394, A replaced by G.
Protein change: p.Lys132Glu; replaces lysine 132 with glutamic acid.
Molecular consequence: missense variant.
Genome position (GRCh38, 1-based): chrX:118,545,324, A>G. VCF-style: chrX-118545324-A-G. GRCh37 (hg19) VCF-style: chrX-117679287-A-G.
Other names: short protein forms K132E.
Identifiers: ClinVar variation 4689899 (VCV004689899.1).